The following is an entry in ClinVar:

NM_016247.4(IMPG2):c.1225C>G (p.Pro409Ala)

Gene: IMPG2 (interphotoreceptor matrix proteoglycan 2; minus strand). Cytogenetic location: 3q12.3.
Variant type: single nucleotide variant.
Coding change: c.1225C>G on transcript NM_016247.4 (MANE Select); coding-DNA position 1225, C replaced by G.
Protein change: p.Pro409Ala; replaces proline 409 with alanine.
Molecular consequence: missense variant.
Genome position (GRCh38, 1-based): chr3:101,253,710, G>C on the plus strand (C>G on the coding strand, the complement: IMPG2 is on the minus strand). VCF-style: chr3-101253710-G-C. GRCh37 (hg19) VCF-style: chr3-100972554-G-C.
Other names: c.1225C>G (NM_016247.3); short protein forms P409A.
Identifiers: ClinVar variation 1363897 (VCV001363897.6), dbSNP rs745834185, ClinGen allele CA2519245.

ClinVar aggregate classification (germline): Uncertain significance. Review status: criteria provided, multiple submitters, no conflicts (2 of 4 stars). 2 submissions from 2 submitters: Uncertain significance (2). Last evaluated 2024-01-23.

Conditions:
Inborn genetic diseases. Identifiers: MedGen C0950123, MeSH D030342.

Allele frequency attached by ClinVar (database versions not stated): ExAC 0.00001; gnomAD exomes 0.00002.
gnomAD v4.1: 4 of 1,610,970 alleles (0.00025%); highest among the groups gnomAD compares: Admixed American, 0.005%; no homozygotes.

Submissions (2):

Ambry Genetics
Classification: Uncertain significance for Inborn genetic diseases. Last evaluated: 2024-01-23. Review status: criteria provided, single submitter. Criteria: Ambry Variant Classification Scheme 2023. Collection method: clinical testing. Allele origin: germline.

Labcorp Genetics (formerly Invitae), Labcorp
Classification: Uncertain significance. Last evaluated: 2022-09-01. Review status: criteria provided, single submitter. Criteria: Invitae Variant Classification Sherloc (09022015). Collection method: clinical testing. Allele origin: germline.
Comment: This sequence change replaces proline, which is neutral and non-polar, with alanine, which is neutral and non-polar, at codon 409 of the IMPG2 protein (p.Pro409Ala). This variant is present in population databases (rs745834185, gnomAD 0.009%). This variant has not been reported in the literature in individuals affected with IMPG2-related conditions. ClinVar contains an entry for this variant (Variation ID: 1363897). Algorithms developed to predict the effect of missense changes on protein structure and function (SIFT, PolyPhen-2, Align-GVGD) all suggest that this variant is likely to be tolerated. In summary, the available evidence is currently insufficient to determine the role of this variant in disease. Therefore, it has been classified as a Variant of Uncertain Significance.